The following is an entry in ClinVar:

NM_000027.4(AGA):c.807-3C>T

Gene: AGA (aspartylglucosaminidase; minus strand). Cytogenetic location: 4q34.3.
Variant type: single nucleotide variant.
Coding change: c.807-3C>T on transcript NM_000027.4 (MANE Select); 3 bases into the intron before coding-DNA position 807, C replaced by T.
Molecular consequence: intron variant.
Genome position (GRCh38, 1-based): chr4:177,433,350, G>A on the plus strand (C>T on the coding strand, the complement: AGA is on the minus strand). VCF-style: chr4-177433350-G-A. GRCh37 (hg19) VCF-style: chr4-178354504-G-A.
Other names: c.777-3C>T (NM_001171988.2).
Identifiers: ClinVar variation 1921279 (VCV001921279.5), dbSNP rs1736690229, ClinGen allele CA1515636098.

ClinVar aggregate classification (germline): Uncertain significance (1 of 4 stars; one submission).

Conditions:
Aspartylglucosaminuria (AGU). Also called: Aspartylglucos-aminuria; Aspartylglucos-amidase (AGA) deficiency; AGA DEFICIENCY; GLYCOASPARAGINASE; GLYCOSYLASPARAGINASE DEFICIENCY. Identifiers: Orphanet 93, MedGen C0268225, MONDO:0008830, OMIM 208400, HP:0012068.

Allele frequency attached by ClinVar (database versions not stated): TOPMed below 0.00001.

Submission:

Labcorp Genetics (formerly Invitae), Labcorp
Classification: Uncertain significance for Aspartylglucosaminuria. Last evaluated: 2022-07-11. Review status: criteria provided, single submitter. Criteria: Invitae Variant Classification Sherloc (09022015). Collection method: clinical testing. Allele origin: germline.
Comment: Variants that disrupt the consensus splice site are a relatively common cause of aberrant splicing (PMID: 17576681, 9536098). Algorithms developed to predict the effect of sequence changes on RNA splicing suggest that this variant is not likely to affect RNA splicing. In summary, the available evidence is currently insufficient to determine the role of this variant in disease. Therefore, it has been classified as a Variant of Uncertain Significance. This variant has not been reported in the literature in individuals affected with AGA-related conditions. This variant is not present in population databases (gnomAD no frequency). This sequence change falls in intron 7 of the AGA gene. It does not directly change the encoded amino acid sequence of the AGA protein. It affects a nucleotide within the consensus splice site.

Literature cited by the submitters: PubMed 17576681; PubMed 9536098.